The following is an entry in ClinVar:

ClinVar aggregate classification (germline): Conflicting classifications of pathogenicity. Review status: criteria provided, conflicting classifications (1 of 4 stars). 12 submissions from 12 submitters: Uncertain significance (6); Benign (1); Likely benign (2). 3 of the submissions do not count toward it. Last evaluated 2026-01-10.

Conditions:
Inborn genetic diseases. Identifiers: MedGen C0950123, MeSH D030342.
DEPDC5-related disorder. Also called: DEPDC5-related condition; DEPDC5-related related disorder.
Familial focal epilepsy with variable foci (FPEVF). Identifiers: Orphanet 98820, MedGen C1858477, MONDO:0020310.
Epilepsy, familial focal, with variable foci 1 (FFEVF1). Also called: DEPDC5-Related Epilepsy. Identifiers: MedGen C4551983, MONDO:0024556, OMIM 604364.

Allele frequency attached by ClinVar (database versions not stated): ExAC 0.00005; gnomAD 0.00016 and 0.00025; ESP Exome Variant Server 0.00022; 1000 Genomes Project 30x 0.00031; 1000 Genomes Project 0.00020; gnomAD exomes 0.00020; TOPMed 0.00020 and 0.00027.
gnomAD v4.1: 564 of 1,551,608 alleles (0.036%); highest among the groups gnomAD compares: Non-Finnish European, 0.045%; no homozygotes.

Submissions (12):

Labcorp Genetics (formerly Invitae), Labcorp
Classification: Uncertain significance for Familial focal epilepsy with variable foci. Last evaluated: 2026-01-10. Review status: criteria provided, single submitter. Criteria: Invitae Variant Classification Sherloc (09022015). Collection method: clinical testing. Allele origin: germline.
Comment: This sequence change replaces serine, which is neutral and polar, with leucine, which is neutral and non-polar, at codon 1104 of the DEPDC5 protein (p.Ser1104Leu). This variant is present in population databases (rs79027628, gnomAD 0.03%). This missense change has been observed in individual(s) with clinical features of DEPDC5-related conditions (PMID: 23542697, 29356177, 31139143, 31594065). ClinVar contains an entry for this variant (Variation ID: 210846). Experimental studies and prediction algorithms are not available or were not evaluated, and the functional significance of this variant is currently unknown. In summary, the available evidence is currently insufficient to determine the role of this variant in disease. Therefore, it has been classified as a Variant of Uncertain Significance.

Ambry Genetics
Classification: Likely benign for Inborn genetic diseases. Last evaluated: 2024-12-10. Review status: criteria provided, single submitter. Criteria: Ambry Variant Classification Scheme 2023. Collection method: clinical testing. Allele origin: germline.

Blueprint Genetics
Classification: Likely benign. Last evaluated: 2024-10-03. Review status: criteria provided, single submitter. Criteria: ACMG Guidelines, 2015. Collection method: clinical testing. Allele origin: germline.

Revvity Omics, Revvity
Classification: Uncertain significance. Last evaluated: 2022-04-07. Review status: criteria provided, single submitter. Criteria: ACMG Guidelines, 2015. Collection method: clinical testing. Allele origin: germline.

GeneDx
Classification: Benign. Last evaluated: 2020-06-25. Review status: criteria provided, single submitter. Criteria: GeneDx Variant Classification Process June 2021. Collection method: clinical testing. Allele origin: germline. Affected: yes.
Comment: This variant is associated with the following publications: (PMID: 31639411, 31594065, 31139143, 30093711, 28717674, 23542697, 29356177, 25366275, 27683934)

Mendelics
Classification: Uncertain significance for Epilepsy, familial focal, with variable foci 1. Last evaluated: 2019-05-28. Review status: criteria provided, single submitter. Criteria: Mendelics Assertion Criteria 2017. Collection method: clinical testing. Allele origin: unknown.

Baylor Genetics
Classification: Uncertain significance for Epilepsy, familial focal, with variable foci 1. Last evaluated: 2019-04-19. Review status: criteria provided, single submitter. Criteria: ACMG Guidelines, 2015. Collection method: clinical testing. Allele origin: maternal. Affected: yes.
Comment: This variant was determined to be of uncertain significance according to ACMG Guidelines, 2015 [PMID:25741868]. This c.3311C>T (p.S1104L) variant has been previously reported in patients with FFEVF1 or paroxysmal kinesigenic dyskinesia [PMID 23542697, 29356177], however, another study found this variant lacks strong segregation support [PMID 28717674]

Fulgent Genetics
Classification: Uncertain significance for Epilepsy, familial focal, with variable foci 1. Last evaluated: 2018-10-31. Review status: criteria provided, single submitter. Criteria: ACMG Guidelines, 2015. Collection method: clinical testing. Allele origin: unknown.

Genetic Services Laboratory, University of Chicago
Classification: Uncertain significance. Last evaluated: 2015-02-19. Review status: criteria provided, single submitter. Criteria: ACMG Guidelines, 2015. Collection method: clinical testing. Allele origin: germline.

PreventionGenetics, part of Exact Sciences
Classification: Likely benign for DEPDC5-related condition. Last evaluated: 2024-07-22. Review status: no assertion criteria provided. Collection method: clinical testing. Allele origin: germline. Not counted in ClinVar's aggregate classification.
Comment: This variant is classified as likely benign based on ACMG/AMP sequence variant interpretation guidelines (Richards et al. 2015 PMID: 25741868, with internal and published modifications).

GeneReviews
No classification provided. Condition: Epilepsy, familial focal, with variable foci 1. Review status: no classification provided. Collection method: literature only. Allele origin: germline. Affected: yes. Not counted in ClinVar's aggregate classification.

Service de Génétique Moléculaire, Hôpital Robert Debré
Classification: Likely benign for Epilepsy, familial focal, with variable foci 1. Review status: no assertion criteria provided. Collection method: clinical testing. Allele origin: unknown. Affected: yes. Not counted in ClinVar's aggregate classification.

Literature cited by the submitters: PubMed 23542697 (cited by 3 submitters); PubMed 29356177 (cited by Labcorp Genetics (formerly Invitae), Labcorp and Baylor Genetics); PubMed 31139143 (cited by Labcorp Genetics (formerly Invitae), Labcorp); PubMed 31594065 (cited by Labcorp Genetics (formerly Invitae), Labcorp); PubMed 28717674 (cited by Baylor Genetics); NCBI Bookshelf NBK385626 (cited by GeneReviews).

NM_001242896.3(DEPDC5):c.3311C>T (p.Ser1104Leu)

Gene: DEPDC5 (DEP domain containing 5, GATOR1 subcomplex subunit; plus strand). Cytogenetic location: 22q12.3.
Variant type: single nucleotide variant.
Coding change: c.3311C>T on transcript NM_001242896.3 (MANE Select); coding-DNA position 3311, C replaced by T.
Protein change: p.Ser1104Leu; replaces serine 1104 with leucine.
Molecular consequence: missense variant. On other transcripts: non-coding transcript variant (2), intron variant (5).
Genome position (GRCh38, 1-based): chr22:31,861,414, C>T. VCF-style: chr22-31861414-C-T. GRCh37 (hg19) VCF-style: chr22-32257400-C-T.
Other names: c.3284C>T, p.Ser1095Leu (NM_001136029.4); c.3077C>T, p.Ser1026Leu (NM_001363854.2, NM_001364319.2); c.3311C>T, p.Ser1104Leu (NM_001364318.2); c.3227C>T, p.Ser1076Leu (NM_001369901.1, NM_001369902.1); c.3237+3861C>T (NM_014662.6, NM_001369903.1); c.3264+3861C>T (NM_001363852.2, NM_001364320.2); c.3030+3861C>T (NM_001242897.2); short protein forms S1104L, S1076L, S1095L, S1026L.
Identifiers: ClinVar variation 210846 (VCV000210846.31), dbSNP rs79027628, ClinGen allele CA206991.